The following is an entry in ClinVar:

NM_002335.4(LRP5):c.2717_2718del (p.Cys906fs)

Gene: LRP5 (LDL receptor related protein 5; plus strand). Cytogenetic location: 11q13.2.
Variant type: Deletion.
Coding change: c.2717_2718del on transcript NM_002335.4 (MANE Select); coding-DNA positions 2717 to 2718, 2 bases deleted (GT; older notation c.2717_2718delGT).
Protein change: p.Cys906fs; shifts the reading frame from cysteine 906.
Molecular consequence: frameshift variant.
Genome position (GRCh38, 1-based): chr11:68,413,902-68,413,903, GT deleted; deleting any 2 consecutive bases within chr11:68,413,901-68,413,903 gives the same sequence; the c. name uses the placement nearest the transcript's 3' end. VCF-style (leftmost placement, unchanged base first): chr11-68413900-CTG-C. GRCh37 (hg19) VCF-style: chr11-68181368-CTG-C.
Other names: c.974_975del, p.Cys325fs (NM_001291902.2); short protein forms C325fs, C906fs.
Identifiers: ClinVar variation 4796870 (VCV004796870.2).
Genomic context (GRCh38, chr11:68,413,900, plus strand): 5'-CCTGGACTTCGTGATGGACATCCTGGTGTTCCACTCCTCCCGCCAGGATGGCCTCAATGA[CTG>C]TATGCACAACAACGGGCAGTGTGGGCAGCTGTGCCTTGCCATCCCCGGCGGCCACCGCTG-3'

ClinVar aggregate classification (germline): Pathogenic/Likely pathogenic. Review status: criteria provided, multiple submitters, no conflicts (2 of 4 stars). 2 submissions from 2 submitters: Pathogenic (1); Likely pathogenic (1). Last evaluated 2026-03-10.

Conditions:
Autosomal dominant osteopetrosis 1 (OPTA1). Also called: OSTEOPETROSIS, AUTOSOMAL DOMINANT, TYPE I. Identifiers: Orphanet 2783, MedGen C1843330, MONDO:0011877, OMIM 607634.

Submissions (2):

Clinical Biomedical Laboratory, Shriners Hospital For Children - Canada
Classification: Likely pathogenic for Autosomal dominant osteopetrosis 1. Last evaluated: 2026-03-10. Review status: criteria provided, single submitter. Criteria: ACMG Guidelines, 2015. Collection method: clinical testing. Allele origin: germline. Affected: yes.
Comment: This variant is predicted to substitute a cysteine residue by a tyrosine residue, introduce a frameshift resulting in a premature stop codon 79 amino acids downstream. This stop codon is expected to lead to degradation of the affected mRNA transcript. The variant present in this individual is absent from general population databases (Genome Aggregation Database), indicating it is rare. Variants predicted to introduce premature termination codons in LRP5 are a known cause of early-onset osteoporosis and bone fragility (PMID: 25711638, 16252235). Based on the ACMG variant interpretation guidelines, the available evidence supports classification of this variant as likely pathogenic.

Labcorp Genetics (formerly Invitae), Labcorp
Classification: Pathogenic. Last evaluated: 2025-06-19. Review status: criteria provided, single submitter. Criteria: Invitae Variant Classification Sherloc (09022015). Collection method: clinical testing. Allele origin: germline.
Comment: This sequence change creates a premature translational stop signal (p.Cys906Tyrfs*79) in the LRP5 gene. It is expected to result in an absent or disrupted protein product. Loss-of-function variants in LRP5 are known to be pathogenic (PMID: 11719191, 16252235, 25711638). This variant is not present in population databases (gnomAD no frequency). This variant has not been reported in the literature in individuals affected with LRP5-related conditions. For these reasons, this variant has been classified as Pathogenic.

Literature cited by the submitters: PubMed 25711638 (cited by Clinical Biomedical Laboratory, Shriners Hospital For Children - Canada and Labcorp Genetics (formerly Invitae), Labcorp); PubMed 16252235 (cited by Clinical Biomedical Laboratory, Shriners Hospital For Children - Canada and Labcorp Genetics (formerly Invitae), Labcorp); PubMed 11719191 (cited by Labcorp Genetics (formerly Invitae), Labcorp).